The following is an entry in ClinVar:

NM_001267550.2(TTN):c.72526G>C (p.Glu24176Gln)

Genes: TTN (titin; minus strand), TTN-AS1 (TTN antisense RNA 1; plus strand). Cytogenetic location: 2q31.2.
Variant type: single nucleotide variant.
Coding change: c.72526G>C on transcript NM_001267550.2 (MANE Select); coding-DNA position 72526, G replaced by C.
Protein change: p.Glu24176Gln; replaces glutamic acid 24176 with glutamine.
Molecular consequence: missense variant.
Genome position (GRCh38, 1-based): chr2:178,573,606, C>G on the plus strand (G>C on the coding strand, the complement: TTN is on the minus strand). VCF-style: chr2-178573606-C-G. GRCh37 (hg19) VCF-style: chr2-179438333-C-G.
Other names: c.67603G>C, p.Glu22535Gln (NM_001256850.1); c.45331G>C, p.Glu15111Gln (NM_003319.4); c.64822G>C, p.Glu21608Gln (NM_133378.4); c.45706G>C, p.Glu15236Gln (NM_133432.3); c.45907G>C, p.Glu15303Gln (NM_133437.4); c.72526G>C (NM_001267550.1); short protein forms E15111Q, E24176Q, E21608Q, E15236Q, E22535Q, E15303Q.
Identifiers: ClinVar variation 518981 (VCV000518981.7), dbSNP rs1553609326, ClinGen allele CA349646758.

ClinVar aggregate classification (germline): Uncertain significance. Review status: criteria provided, multiple submitters, no conflicts (2 of 4 stars). 2 submissions from 2 submitters: Uncertain significance (2). Last evaluated 2025-10-01.

Conditions:
Cardiovascular phenotype. Identifiers: MedGen CN230736.

Allele frequency attached by ClinVar (database versions not stated): gnomAD exomes below 0.00001.
gnomAD v4.1: 1 of 1,498,378 alleles (0.000067%); highest among the groups gnomAD compares: Non-Finnish European, 0.000089%; no homozygotes.

Submissions (2):

GeneDx
Classification: Uncertain significance. Last evaluated: 2025-10-01. Review status: criteria provided, single submitter. Criteria: GeneDx Variant Classification Process June 2021. Collection method: clinical testing. Allele origin: germline.
Comment: Not observed at significant frequency in large population cohorts (gnomAD); Missense variant in a gene in which most reported pathogenic variants are truncating/loss of function; Has not been previously published as pathogenic or benign to our knowledge; This variant is associated with the following publications: (PMID: 23975875)

Ambry Genetics
Classification: Uncertain significance for Cardiovascular phenotype. Last evaluated: 2017-02-17. Review status: criteria provided, single submitter. Criteria: Ambry Variant Classification Scheme 2023. Collection method: clinical testing. Allele origin: germline.
Comment: The p.E15111Q variant (also known as c.45331G>C), located in coding exon 153 of the TTN gene, results from a G to C substitution at nucleotide position 45331. The glutamic acid at codon 15111 is replaced by glutamine, an amino acid with highly similar properties. This amino acid position is not well conserved in available vertebrate species. In addition, this alteration is predicted to be tolerated by in silico analysis. Since supporting evidence is limited at this time, the clinical significance of this alteration remains unclear.